The following is an entry in ClinVar:

NM_000836.4(GRIN2D):c.2761C>G (p.Pro921Ala)

Gene: GRIN2D (glutamate ionotropic receptor NMDA type subunit 2D; plus strand). Cytogenetic location: 19q13.33.
Variant type: single nucleotide variant.
Coding change: c.2761C>G on transcript NM_000836.4 (MANE Select); coding-DNA position 2761, C replaced by G.
Protein change: p.Pro921Ala; replaces proline 921 with alanine.
Molecular consequence: missense variant.
Genome position (GRCh38, 1-based): chr19:48,442,687, C>G. VCF-style: chr19-48442687-C-G. GRCh37 (hg19) VCF-style: chr19-48945944-C-G.
Other names: short protein forms P921A.
Identifiers: ClinVar variation 3696110 (VCV003696110.2).

ClinVar aggregate classification (germline): Uncertain significance (1 of 4 stars; one submission).

gnomAD v4.1: 3 of 1,202,692 alleles (0.00025%); highest among the groups gnomAD compares: East Asian, 0.0038%; no homozygotes.

Submission:

Labcorp Genetics (formerly Invitae), Labcorp
Classification: Uncertain significance. Last evaluated: 2025-04-07. Review status: criteria provided, single submitter. Criteria: Invitae Variant Classification Sherloc (09022015). Collection method: clinical testing. Allele origin: germline.
Comment: This sequence change replaces proline, which is neutral and non-polar, with alanine, which is neutral and non-polar, at codon 921 of the GRIN2D protein (p.Pro921Ala). This variant is not present in population databases (gnomAD no frequency). This variant has not been reported in the literature in individuals affected with GRIN2D-related conditions. ClinVar contains an entry for this variant (Variation ID: 3696110). Invitae Evidence Modeling of protein sequence and biophysical properties (such as structural, functional, and spatial information, amino acid conservation, physicochemical variation, residue mobility, and thermodynamic stability) indicates that this missense variant is not expected to disrupt GRIN2D protein function with a negative predictive value of 95%. In summary, the available evidence is currently insufficient to determine the role of this variant in disease. Therefore, it has been classified as a Variant of Uncertain Significance.